The following is an entry in ClinVar:

ClinVar aggregate classification (germline): Uncertain significance (1 of 4 stars; one submission).

Submission:

Labcorp Genetics (formerly Invitae), Labcorp
Classification: Uncertain significance. Last evaluated: 2025-12-18. Review status: criteria provided, single submitter. Criteria: Invitae Variant Classification Sherloc (09022015). Collection method: clinical testing. Allele origin: germline.
Comment: This sequence change affects codon 219 of the NLGN2 mRNA. It is a 'silent' change, meaning that it does not change the encoded amino acid sequence of the NLGN2 protein. It affects a nucleotide within the consensus splice site. This variant is present in population databases (rs745474020, gnomAD 0.005%). This variant has not been reported in the literature in individuals affected with NLGN2-related conditions. Algorithms developed to predict the effect of sequence changes on RNA splicing suggest that this variant is not likely to affect RNA splicing. In summary, the available evidence is currently insufficient to determine the role of this variant in disease. Therefore, it has been classified as a Variant of Uncertain Significance.

NM_020795.4(NLGN2):c.657C>T (p.Leu219=)

Gene: NLGN2 (neuroligin 2; plus strand). Cytogenetic location: 17p13.1.
Variant type: single nucleotide variant.
Coding change: c.657C>T on transcript NM_020795.4 (MANE Select); coding-DNA position 657, C replaced by T.
Protein change: p.Leu219=; no amino-acid change (leucine 219 retained).
Molecular consequence: synonymous variant.
Genome position (GRCh38, 1-based): chr17:7,414,492, C>T. VCF-style: chr17-7414492-C-T. GRCh37 (hg19) VCF-style: chr17-7317811-C-T.
Identifiers: ClinVar variation 4731452 (VCV004731452.1).